The following is an entry in ClinVar:

NM_144997.7(FLCN):c.1359del (p.Cys454fs)

Gene: FLCN (folliculin; minus strand). Cytogenetic location: 17p11.2.
Variant type: Deletion.
Coding change: c.1359del on transcript NM_144997.7 (MANE Select); coding-DNA position 1359, one base deleted (G; older notation c.1359delG).
Protein change: p.Cys454fs; shifts the reading frame from cysteine 454.
Molecular consequence: frameshift variant.
Genome position (GRCh38, 1-based): chr17:17,215,258, C deleted on the plus strand (G on the coding strand, the reverse complement: FLCN is on the minus strand); the first of 4 consecutive C bases (chr17:17,215,258-17,215,261); deleting any one gives the same sequence. VCF-style (leftmost placement, unchanged base first): chr17-17215257-AC-A. GRCh37 (hg19) VCF-style: chr17-17118571-AC-A.
Other names: c.1359del (LRG_325t1); c.1413del, p.Cys472fs (NM_001353229.2); c.1359del, p.Cys454fs (NM_001353230.2, NM_001353231.2); short protein forms C454fs, C472fs.
Identifiers: ClinVar variation 529979 (VCV000529979.6), dbSNP rs1555607212, ClinGen allele CA658798733.

ClinVar aggregate classification (germline): Pathogenic (1 of 4 stars; one submission).

Conditions:
Birt-Hogg-Dube syndrome. Also called: Birt Hogg Dubé syndrome. Identifiers: Orphanet 122, MedGen C0346010, MONDO:0800444.

Submission:

Labcorp Genetics (formerly Invitae), Labcorp
Classification: Pathogenic for Birt-Hogg-Dube syndrome. Last evaluated: 2017-09-18. Review status: criteria provided, single submitter. Criteria: Invitae Variant Classification Sherloc (09022015). Collection method: clinical testing. Allele origin: germline.
Comment: This sequence change creates a premature translational stop signal (p.Cys454Valfs*14) in the FLCN gene. It is expected to result in an absent or disrupted protein product. This variant is not present in population databases (ExAC no frequency). This variant has not been reported in the literature in individuals with FLCN-related disease. Loss-of-function variants in FLCN are known to be pathogenic (PMID: 15852235). For these reasons, this variant has been classified as Pathogenic.

Literature cited by the submitters: PubMed 15852235.